The following is an entry in ClinVar:

ClinVar aggregate classification (germline): Pathogenic. Review status: criteria provided, multiple submitters, no conflicts (2 of 4 stars). 2 submissions from 2 submitters: Pathogenic (2). Last evaluated 2024-11-24.

Conditions:
Hereditary cancer-predisposing syndrome. Also called: Neoplastic Syndromes, Hereditary; Hereditary neoplastic syndrome; Tumor predisposition; Hereditary Cancer Syndrome. Identifiers: Orphanet 140162, MedGen C0027672, MeSH D009386, MONDO:0015356.
Hereditary diffuse gastric adenocarcinoma (HDGC). Also called: DIFFUSE GASTRIC AND LOBULAR BREAST CANCER SYNDROME. Identifiers: Orphanet 26106, MedGen C1708349, MONDO:0007648, OMIM 137215.

Submissions (2):

Labcorp Genetics (formerly Invitae), Labcorp
Classification: Pathogenic for Hereditary diffuse gastric adenocarcinoma. Last evaluated: 2024-11-24. Review status: criteria provided, single submitter. Criteria: Invitae Variant Classification Sherloc (09022015). Collection method: clinical testing. Allele origin: germline.
Comment: This sequence change creates a premature translational stop signal (p.Ser236*) in the CDH1 gene. It is expected to result in an absent or disrupted protein product. Loss-of-function variants in CDH1 are known to be pathogenic (PMID: 15235021, 20373070). This variant is not present in population databases (gnomAD no frequency). This premature translational stop signal has been observed in individual(s) with gastric cancer (PMID: 26681312). For these reasons, this variant has been classified as Pathogenic.

Ambry Genetics
Classification: Pathogenic for Hereditary cancer-predisposing syndrome. Last evaluated: 2024-05-02. Review status: criteria provided, single submitter. Criteria: Ambry Variant Classification Scheme 2023. Collection method: clinical testing. Allele origin: germline.
Comment: The p.S236* pathogenic mutation (also known as c.707C>G), located in coding exon 6 of the CDH1 gene, results from a C to G substitution at nucleotide position 707. This changes the amino acid from a serine to a stop codon within coding exon 6. This variant is considered to be rare based on population cohorts in the Genome Aggregation Database (gnomAD). This alteration is expected to result in loss of function by premature protein truncation or nonsense-mediated mRNA decay. As such, this alteration is interpreted as a disease-causing mutation.

Literature cited by the submitters: PubMed 15235021 (cited by Labcorp Genetics (formerly Invitae), Labcorp); PubMed 20373070 (cited by Labcorp Genetics (formerly Invitae), Labcorp); PubMed 26681312 (cited by Labcorp Genetics (formerly Invitae), Labcorp).

NM_004360.5(CDH1):c.707C>G (p.Ser236Ter)

Gene: CDH1 (cadherin 1; plus strand). Cytogenetic location: 16q22.1.
Variant type: single nucleotide variant.
Coding change: c.707C>G on transcript NM_004360.5 (MANE Select); coding-DNA position 707, C replaced by G.
Protein change: p.Ser236Ter; replaces serine 236 with a stop codon.
Molecular consequence: nonsense. On other transcripts: 5 prime UTR variant (2).
Genome position (GRCh38, 1-based): chr16:68,810,216, C>G. VCF-style: chr16-68810216-C-G. GRCh37 (hg19) VCF-style: chr16-68844119-C-G.
Other names: c.707C>G, p.Ser236Ter (NM_001317184.2); c.-909C>G (NM_001317185.2); c.-1113C>G (NM_001317186.2); short protein forms S236*.
Identifiers: ClinVar variation 3265134 (VCV003265134.3).
Genomic context (GRCh38, chr16:68,810,216, plus strand): 5'-TCCTCATCAGAGCTCAAGTCACCCTCACTTGGTTCTTTCAGCTCTTCTCTCACGCTGTGT[C>G]ATCCAACGGGAATGCAGTTGAGGATCCAATGGAGATTTTGATCACGGTAACCGATCAGAA-3'